The following is an entry in ClinVar:

ClinVar aggregate classification (germline): Uncertain significance (1 of 4 stars; one submission).

Submission:

Labcorp Genetics (formerly Invitae), Labcorp
Classification: Uncertain significance. Last evaluated: 2024-07-24. Review status: criteria provided, single submitter. Criteria: Invitae Variant Classification Sherloc (09022015). Collection method: clinical testing. Allele origin: germline.
Comment: This sequence change replaces phenylalanine, which is neutral and non-polar, with serine, which is neutral and polar, at codon 114 of the PTDSS1 protein (p.Phe114Ser). This variant is not present in population databases (gnomAD no frequency). This variant has not been reported in the literature in individuals affected with PTDSS1-related conditions. Advanced modeling of protein sequence and biophysical properties (such as structural, functional, and spatial information, amino acid conservation, physicochemical variation, residue mobility, and thermodynamic stability) performed at Invitae indicates that this missense variant is not expected to disrupt PTDSS1 protein function with a negative predictive value of 80%. In summary, the available evidence is currently insufficient to determine the role of this variant in disease. Therefore, it has been classified as a Variant of Uncertain Significance.

NM_014754.3(PTDSS1):c.341T>C (p.Phe114Ser)

Gene: PTDSS1 (phosphatidylserine synthase 1; plus strand). Cytogenetic location: 8q22.1.
Variant type: single nucleotide variant.
Coding change: c.341T>C on transcript NM_014754.3 (MANE Select); coding-DNA position 341, T replaced by C.
Protein change: p.Phe114Ser; replaces phenylalanine 114 with serine.
Molecular consequence: missense variant. On other transcripts: intron variant (1).
Genome position (GRCh38, 1-based): chr8:96,287,046, T>C. VCF-style: chr8-96287046-T-C. GRCh37 (hg19) VCF-style: chr8-97299274-T-C.
Other names: c.4-8052T>C (NM_001290225.2); short protein forms F114S.
Identifiers: ClinVar variation 3660511 (VCV003660511.2).
Genomic context (GRCh38, chr8:96,287,046, plus strand): 5'-CTCTTCTAAACTTCAGCATGTTTTTGTTTCTCTCAGGACTCAGTGTGCTCTACTTCCTGT[T>C]CCTGGTATTCCTACTCTTCCTGAATTTCGAGCAGGTTAAATCTCTAATGTATTGGCTAGA-3'
Protein context (NP_055569.1, residues 104-124): VFGLSVLYFL[Phe114Ser]LVFLLFLNFE